The following is an entry in ClinVar:

ClinVar aggregate classification (germline): Uncertain significance. Review status: criteria provided, multiple submitters, no conflicts (2 of 4 stars). 2 submissions from 2 submitters: Uncertain significance (2). Last evaluated 2024-09-26.

Conditions:
Hereditary cancer-predisposing syndrome. Also called: Neoplastic Syndromes, Hereditary; Tumor predisposition; Hereditary Cancer Syndrome; Hereditary neoplastic syndrome. Identifiers: Orphanet 140162, MedGen C0027672, MeSH D009386, MONDO:0015356.
Familial cancer of breast. Also called: hereditary breast carcinoma; BREAST CANCER, FAMILIAL; Hereditary breast cancer. Identifiers: Orphanet 227535, MedGen C0346153, MONDO:0016419, OMIM 114480. Disease mechanism: loss of function.

Submissions (2):

Ambry Genetics
Classification: Uncertain significance for Hereditary cancer-predisposing syndrome. Last evaluated: 2024-09-26. Review status: criteria provided, single submitter. Criteria: Ambry Variant Classification Scheme 2023. Collection method: clinical testing. Allele origin: germline.
Comment: The c.1576delG variant, located in coding exon 14 of the CHEK2 gene, results from a deletion of one nucleotide at nucleotide position 1576, causing a translational frameshift with a predicted alternate stop codon (p.E526Kfs*40). This alteration occurs at the 3' terminus of theCHEK2 gene, is not expected to trigger nonsense-mediated mRNAdecay and results in the elongation of the protein by 21 amino acids. This frameshift impacts the last 3.3% of the native protein. The exact functional effect of the altered amino acids is unknown. Based on the available evidence, the clinical significance of this variant remains unclear.

Labcorp Genetics (formerly Invitae), Labcorp
Classification: Uncertain significance for Familial cancer of breast. Last evaluated: 2024-08-20. Review status: criteria provided, single submitter. Criteria: Invitae Variant Classification Sherloc (09022015). Collection method: clinical testing. Allele origin: germline.
Comment: This sequence change results in a frameshift in the CHEK2 gene (p.Glu526Lysfs*40). While this is not anticipated to result in nonsense mediated decay, it is expected to disrupt the last 18 amino acid(s) of the CHEK2 protein and extend the protein by 21 additional amino acid residues. This variant is not present in population databases (gnomAD no frequency). This variant has not been reported in the literature in individuals affected with CHEK2-related conditions. ClinVar contains an entry for this variant (Variation ID: 2021325). Experimental studies and prediction algorithms are not available or were not evaluated, and the functional significance of this variant is currently unknown. In summary, the available evidence is currently insufficient to determine the role of this variant in disease. Therefore, it has been classified as a Variant of Uncertain Significance.

NM_007194.4(CHEK2):c.1576del (p.Glu526fs)

Gene: CHEK2 (checkpoint kinase 2; minus strand). Cytogenetic location: 22q12.1.
Variant type: Deletion.
Coding change: c.1576del on transcript NM_007194.4 (MANE Select); coding-DNA position 1576, one base deleted (G; older notation c.1576delG).
Protein change: p.Glu526fs; shifts the reading frame from glutamic acid 526.
Molecular consequence: frameshift variant.
Genome position (GRCh38, 1-based): chr22:28,687,953, C deleted on the plus strand (G on the coding strand, the reverse complement: CHEK2 is on the minus strand); the first of 4 consecutive C bases (chr22:28,687,953-28,687,956); deleting any one gives the same sequence. VCF-style (leftmost placement, unchanged base first): chr22-28687952-TC-T. GRCh37 (hg19) VCF-style: chr22-29083940-TC-T.
Other names: c.1702delG, p.Glu569Lysfs (NM_001005735.3); c.910delG, p.Glu305Lysfs (NM_001257387.3); c.1372delG, p.Glu459Lysfs (NM_001349956.3); c.1486delG, p.Glu497Lysfs (NM_145862.3); short protein forms E305fs, E497fs, E526fs, E569fs, E459fs.
Identifiers: ClinVar variation 2021325 (VCV002021325.5), dbSNP rs2052185307, ClinGen allele CA1024874569.